The following is an entry in ClinVar:

NM_001349206.2(LPIN1):c.1088G>A (p.Gly363Asp)

Gene: LPIN1 (lipin 1; plus strand). Cytogenetic location: 2p25.1.
Variant type: single nucleotide variant.
Coding change: c.1088G>A on transcript NM_001349206.2 (MANE Select); coding-DNA position 1088, G replaced by A.
Protein change: p.Gly363Asp; replaces glycine 363 with aspartic acid.
Molecular consequence: missense variant. On other transcripts: non-coding transcript variant (1).
Genome position (GRCh38, 1-based): chr2:11,782,331, G>A. VCF-style: chr2-11782331-G-A. GRCh37 (hg19) VCF-style: chr2-11922457-G-A.
Other names: c.1235G>A, p.Gly412Asp (NM_001261428.3); c.980G>A, p.Gly327Asp (NM_001349199.2, NM_001349200.2, NM_001349201.2 and 1 more transcripts); c.1085G>A, p.Gly362Asp (NM_001349202.2, NM_001349203.2); c.1088G>A, p.Gly363Asp (NM_001349204.2, NM_001349205.2); c.1178G>A, p.Gly393Asp (NM_001349207.2); c.1127G>A, p.Gly376Asp (NM_001349208.2); c.998G>A, p.Gly333Asp (NM_001261427.3); short protein forms G333D, G327D, G362D, G412D, G376D, G393D, G363D.
Identifiers: ClinVar variation 2170467 (VCV002170467.3), dbSNP rs772769377, ClinGen allele CA1533603.

ClinVar aggregate classification (germline): Uncertain significance (1 of 4 stars; one submission).

Allele frequency attached by ClinVar (database versions not stated): gnomAD exomes below 0.00001; ExAC 0.00002.

Submission:

Labcorp Genetics (formerly Invitae), Labcorp
Classification: Uncertain significance. Last evaluated: 2022-04-10. Review status: criteria provided, single submitter. Criteria: Invitae Variant Classification Sherloc (09022015). Collection method: clinical testing. Allele origin: germline.
Comment: This variant is present in population databases (rs772769377, gnomAD 0.0009%). In summary, the available evidence is currently insufficient to determine the role of this variant in disease. Therefore, it has been classified as a Variant of Uncertain Significance. Algorithms developed to predict the effect of missense changes on protein structure and function (SIFT, PolyPhen-2, Align-GVGD) all suggest that this variant is likely to be tolerated. This variant has not been reported in the literature in individuals affected with LPIN1-related conditions. This sequence change replaces glycine, which is neutral and non-polar, with aspartic acid, which is acidic and polar, at codon 327 of the LPIN1 protein (p.Gly327Asp).